The following is an entry in ClinVar:

ClinVar aggregate classification (germline): Likely benign (0 of 4 stars; one submission).

Conditions:
GAA-related disorder. Also called: GAA-related condition.

Allele frequency attached by ClinVar (database versions not stated): TOPMed 0.00002; gnomAD 0.00017; 1000 Genomes Project 0.00040; 1000 Genomes Project 30x 0.00062.

Submission:

PreventionGenetics, part of Exact Sciences
Classification: Likely benign for GAA-related condition. Last evaluated: 2022-01-09. Review status: no assertion criteria provided. Collection method: clinical testing. Allele origin: germline.
Comment: This variant is classified as likely benign based on ACMG/AMP sequence variant interpretation guidelines (Richards et al. 2015 PMID: 25741868, with internal and published modifications).

NM_000152.5(GAA):c.-44G>A

Gene: GAA (alpha glucosidase; plus strand). Cytogenetic location: 17q25.3.
Variant type: single nucleotide variant.
Coding change: c.-44G>A on transcript NM_000152.5 (MANE Select); 44 bases upstream of the start codon, G replaced by A.
Molecular consequence: 5 prime UTR variant. On other transcripts: non-coding transcript variant (1), intron variant (1).
Genome position (GRCh38, 1-based): chr17:80,101,879, G>A. VCF-style: chr17-80101879-G-A. GRCh37 (hg19) VCF-style: chr17-78075678-G-A.
Other names: c.-44G>A (NM_001079803.3, NM_001406741.1); c.-79G>A (NM_001406742.1); c.-33+254G>A (NM_001079804.3).
Identifiers: ClinVar variation 3036795 (VCV003036795.2), dbSNP rs547385110, ClinGen allele CA294884586.